The following is an entry in ClinVar:

ClinVar aggregate classification (germline): Uncertain significance (1 of 4 stars; one submission).

Submission:

Labcorp Genetics (formerly Invitae), Labcorp
Classification: Uncertain significance. Last evaluated: 2023-11-15. Review status: criteria provided, single submitter. Criteria: Invitae Variant Classification Sherloc (09022015). Collection method: clinical testing. Allele origin: germline.
Comment: This sequence change replaces alanine, which is neutral and non-polar, with valine, which is neutral and non-polar, at codon 806 of the LRP5 protein (p.Ala806Val). This variant is not present in population databases (gnomAD no frequency). This variant has not been reported in the literature in individuals affected with LRP5-related conditions. ClinVar contains an entry for this variant (Variation ID: 1009845). Advanced modeling of protein sequence and biophysical properties (such as structural, functional, and spatial information, amino acid conservation, physicochemical variation, residue mobility, and thermodynamic stability) has been performed at Invitae for this missense variant, however the output from this modeling did not meet the statistical confidence thresholds required to predict the impact of this variant on LRP5 protein function. In summary, the available evidence is currently insufficient to determine the role of this variant in disease. Therefore, it has been classified as a Variant of Uncertain Significance.

NM_002335.4(LRP5):c.2417C>T (p.Ala806Val)

Gene: LRP5 (LDL receptor related protein 5; plus strand). Cytogenetic location: 11q13.2.
Variant type: single nucleotide variant.
Coding change: c.2417C>T on transcript NM_002335.4 (MANE Select); coding-DNA position 2417, C replaced by T.
Protein change: p.Ala806Val; replaces alanine 806 with valine.
Molecular consequence: missense variant.
Genome position (GRCh38, 1-based): chr11:68,411,534, C>T. VCF-style: chr11-68411534-C-T. GRCh37 (hg19) VCF-style: chr11-68179002-C-T.
Other names: c.674C>T, p.Ala225Val (NM_001291902.2); short protein forms A225V, A806V.
Identifiers: ClinVar variation 1009845 (VCV001009845.9), dbSNP rs2098659531, ClinGen allele CA381617151.